The following is an entry in ClinVar:

ClinVar aggregate classification (germline): Uncertain significance. Review status: criteria provided, multiple submitters, no conflicts (2 of 4 stars). 4 submissions from 4 submitters: Uncertain significance (4). Last evaluated 2024-02-19.

Conditions:
Inborn genetic diseases. Identifiers: MedGen C0950123, MeSH D030342.

Allele frequency attached by ClinVar (database versions not stated): gnomAD 0.00001; gnomAD exomes 0.00001 and 0.00005; TOPMed 0.00002; ExAC 0.00005.

Submissions (4):

Blueprint Genetics
Classification: Uncertain significance. Last evaluated: 2024-02-19. Review status: criteria provided, single submitter. Criteria: ACMG Guidelines, 2015. Collection method: clinical testing. Allele origin: germline.

Ambry Genetics
Classification: Uncertain significance for Inborn genetic diseases. Last evaluated: 2022-06-27. Review status: criteria provided, single submitter. Criteria: Ambry Variant Classification Scheme 2023. Collection method: clinical testing. Allele origin: germline.

Labcorp Genetics (formerly Invitae), Labcorp
Classification: Uncertain significance. Last evaluated: 2022-03-03. Review status: criteria provided, single submitter. Criteria: Invitae Variant Classification Sherloc (09022015). Collection method: clinical testing. Allele origin: germline.
Comment: This sequence change replaces tryptophan, which is neutral and slightly polar, with arginine, which is basic and polar, at codon 400 of the CNGB3 protein (p.Trp400Arg). The frequency data for this variant in the population databases is considered unreliable, as metrics indicate poor data quality at this position in the gnomAD database. This variant has not been reported in the literature in individuals affected with CNGB3-related conditions. ClinVar contains an entry for this variant (Variation ID: 498448). Advanced modeling of protein sequence and biophysical properties (such as structural, functional, and spatial information, amino acid conservation, physicochemical variation, residue mobility, and thermodynamic stability) performed at Invitae indicates that this missense variant is expected to disrupt CNGB3 protein function. In summary, the available evidence is currently insufficient to determine the role of this variant in disease. Therefore, it has been classified as a Variant of Uncertain Significance.

Eurofins Ntd Llc (ga)
Classification: Uncertain significance. Last evaluated: 2016-12-09. Review status: criteria provided, single submitter. Criteria: EGL Classification Definitions 2015. Collection method: clinical testing. Allele origin: germline. Observed: 1 variant allele, 1 heterozygote.

NM_019098.5(CNGB3):c.1198T>C (p.Trp400Arg)

Gene: CNGB3 (cyclic nucleotide gated channel subunit beta 3; minus strand). Cytogenetic location: 8q21.3.
Variant type: single nucleotide variant.
Coding change: c.1198T>C on transcript NM_019098.5 (MANE Select); coding-DNA position 1198, T replaced by C.
Protein change: p.Trp400Arg; replaces tryptophan 400 with arginine.
Molecular consequence: missense variant.
Genome position (GRCh38, 1-based): chr8:86,632,874, A>G on the plus strand (T>C on the coding strand, the complement: CNGB3 is on the minus strand). VCF-style: chr8-86632874-A-G. GRCh37 (hg19) VCF-style: chr8-87645102-A-G.
Other names: c.1198T>C (NM_019098.4); short protein forms W400R.
Identifiers: ClinVar variation 498448 (VCV000498448.8), dbSNP rs771941989, ClinGen allele CA4800110.